The following is an entry in ClinVar:

NM_182916.3(TRNT1):c.565C>A (p.Gln189Lys)

Gene: TRNT1 (tRNA nucleotidyl transferase 1; plus strand). Cytogenetic location: 3p26.2.
Variant type: single nucleotide variant.
Coding change: c.565C>A on transcript NM_182916.3 (MANE Select); coding-DNA position 565, C replaced by A.
Protein change: p.Gln189Lys; replaces glutamine 189 with lysine.
Molecular consequence: missense variant. On other transcripts: non-coding transcript variant (8).
Genome position (GRCh38, 1-based): chr3:3,144,667, C>A. VCF-style: chr3-3144667-C-A. GRCh37 (hg19) VCF-style: chr3-3186351-C-A.
Other names: c.565C>A, p.Gln189Lys (NM_001302946.2, NM_001367321.1, NM_001367322.1 and 1 more transcripts); short protein forms Q189K.
Identifiers: ClinVar variation 1030387 (VCV001030387.2), dbSNP rs1705873011, ClinGen allele CA351445231.

ClinVar aggregate classification (germline): Uncertain significance. Review status: criteria provided, multiple submitters, no conflicts (2 of 4 stars). 2 submissions from 2 submitters: Uncertain significance (2). Last evaluated 2020-01-15.

Conditions:
Retinitis pigmentosa and erythrocytic microcytosis (RPEM). Identifiers: MedGen C4310776, MONDO:0014850, OMIM 616959.

Allele frequency attached by ClinVar (database versions not stated): gnomAD exomes below 0.00001.
gnomAD v4.1: 1 of 1,572,664 alleles (0.000064%); highest among the groups gnomAD compares: Middle Eastern, 0.017%; no homozygotes.

Submissions (2):

Baylor Genetics
Classification: Uncertain significance for Retinitis pigmentosa and erythrocytic microcytosis. Last evaluated: 2020-01-15. Review status: criteria provided, single submitter. Criteria: ACMG Guidelines, 2015. Collection method: clinical testing. Allele origin: unknown. Affected: yes.
Comment: This variant was determined to be of uncertain significance according to ACMG Guidelines, 2015 [PMID:25741868].

Breakthrough Genomics
Classification: Uncertain significance. Review status: criteria provided, single submitter. Criteria: ACMG Guidelines, 2015. Collection method: not provided. Allele origin: germline. Inheritance: Autosomal recessive inheritance. Affected: yes.